The following is an entry in ClinVar:

ClinVar aggregate classification (germline): Likely pathogenic (1 of 4 stars; one submission).

Conditions:
Early-infantile DEE. Also called: Early infantile epileptic encephalopathy; Early infantile epileptic encephalopathy with suppression bursts; Ohtahara syndrome. Identifiers: Orphanet 1934, MedGen C0393706, MONDO:0800491.

Submission:

Labcorp Genetics (formerly Invitae), Labcorp
Classification: Likely pathogenic for Early-infantile DEE. Last evaluated: 2021-11-23. Review status: criteria provided, single submitter. Criteria: Invitae Variant Classification Sherloc (09022015). Collection method: clinical testing. Allele origin: germline.
Comment: This sequence change affects a donor splice site in intron 21 of the SCN8A gene. It is expected to disrupt RNA splicing. Variants that disrupt the donor or acceptor splice site typically lead to a loss of protein function (PMID: 16199547), and loss-of-function variants in SCN8A are known to be pathogenic (PMID: 19254928, 32651551). This variant is not present in population databases (gnomAD no frequency). This variant has not been reported in the literature in individuals affected with SCN8A-related conditions. Algorithms developed to predict the effect of sequence changes on RNA splicing suggest that this variant may disrupt the consensus splice site. In summary, the currently available evidence indicates that the variant is pathogenic, but additional data are needed to prove that conclusively. Therefore, this variant has been classified as Likely Pathogenic.

Literature cited by the submitters: PubMed 16199547; PubMed 19254928; PubMed 32651551.

NM_001330260.2(SCN8A):c.3942+1G>T

Gene: SCN8A (sodium voltage-gated channel alpha subunit 8; plus strand). Cytogenetic location: 12q13.13.
Variant type: single nucleotide variant.
Coding change: c.3942+1G>T on transcript NM_001330260.2 (MANE Select); the canonical splice donor site of the intron after coding-DNA position 3942, G replaced by T.
Molecular consequence: splice donor variant. On other transcripts: intron variant (2).
Genome position (GRCh38, 1-based): chr12:51,780,772, G>T. VCF-style: chr12-51780772-G-T. GRCh37 (hg19) VCF-style: chr12-52174556-G-T.
Other names: c.3942+1G>T (NM_014191.4); c.3820-5770G>T (NM_001177984.3, NM_001369788.1).
Identifiers: ClinVar variation 1491768 (VCV001491768.7), dbSNP rs2138892902, ClinGen allele CA384901787.